The following is an entry in ClinVar:

ClinVar aggregate classification (germline): Uncertain significance. Review status: criteria provided, multiple submitters, no conflicts (2 of 4 stars). 2 submissions from 2 submitters: Uncertain significance (2). Last evaluated 2023-08-08.

Conditions:
Autosomal recessive nonsyndromic hearing loss 2. Also called: NEUROSENSORY NONSYNDROMIC RECESSIVE DEAFNESS 2; DEAFNESS, AUTOSOMAL RECESSIVE 2. Identifiers: Orphanet 90636, MedGen C1838701, MONDO:0010807, OMIM 600060.

Submissions (2):

Revvity Omics, Revvity
Classification: Uncertain significance. Last evaluated: 2023-08-08. Review status: criteria provided, single submitter. Criteria: ACMG Guidelines, 2015. Collection method: clinical testing. Allele origin: germline.

Baylor Genetics
Classification: Uncertain significance for Autosomal recessive nonsyndromic hearing loss 2. Last evaluated: 2019-12-10. Review status: criteria provided, single submitter. Criteria: ACMG Guidelines, 2015. Collection method: clinical testing. Allele origin: unknown. Affected: yes.
Comment: This variant was determined to be of uncertain significance according to ACMG Guidelines, 2015 [PMID:25741868].

NM_000260.4(MYO7A):c.2083G>A (p.Ala695Thr)

Gene: MYO7A (myosin VIIA; plus strand). Cytogenetic location: 11q13.5.
Variant type: single nucleotide variant.
Coding change: c.2083G>A on transcript NM_000260.4 (MANE Select); coding-DNA position 2083, G replaced by A.
Protein change: p.Ala695Thr; replaces alanine 695 with threonine.
Molecular consequence: missense variant.
Genome position (GRCh38, 1-based): chr11:77,174,903, G>A. VCF-style: chr11-77174903-G-A. GRCh37 (hg19) VCF-style: chr11-76885949-G-A.
Other names: c.2083G>A, p.Ala695Thr (NM_001127180.2); c.2050G>A, p.Ala684Thr (NM_001369365.1); short protein forms A684T, A695T.
Identifiers: ClinVar variation 1028644 (VCV001028644.4), dbSNP rs1954489249, ClinGen allele CA381939545.